The following is an entry in ClinVar:

ClinVar aggregate classification (germline): Uncertain significance (1 of 4 stars; one submission).

Conditions:
Werner syndrome (WRN). Identifiers: Orphanet 902, MedGen C0043119, MONDO:0010196, OMIM 277700.

Allele frequency attached by ClinVar (database versions not stated): gnomAD exomes 0.00001.
gnomAD v4.1: 9 of 1,613,358 alleles (0.00056%); highest among the groups gnomAD compares: South Asian, 0.0044%; no homozygotes.

Submission:

Labcorp Genetics (formerly Invitae), Labcorp
Classification: Uncertain significance for Werner syndrome. Last evaluated: 2022-09-29. Review status: criteria provided, single submitter. Criteria: Invitae Variant Classification Sherloc (09022015). Collection method: clinical testing. Allele origin: germline.
Comment: This sequence change replaces serine, which is neutral and polar, with arginine, which is basic and polar, at codon 1432 of the WRN protein (p.Ser1432Arg). This variant is present in population databases (no rsID available, gnomAD 0.003%). This variant has not been reported in the literature in individuals affected with WRN-related conditions. ClinVar contains an entry for this variant (Variation ID: 1036568). Algorithms developed to predict the effect of missense changes on protein structure and function are either unavailable or do not agree on the potential impact of this missense change (SIFT: "Not Available"; PolyPhen-2: "Probably Damaging"; Align-GVGD: "Not Available"). Algorithms developed to predict the effect of sequence changes on RNA splicing suggest that this variant may create or strengthen a splice site. In summary, the available evidence is currently insufficient to determine the role of this variant in disease. Therefore, it has been classified as a Variant of Uncertain Significance.

NM_000553.6(WRN):c.4296T>G (p.Ser1432Arg)

Genes: WRN (WRN RecQ like helicase; plus strand), LOC126860342 (MED14-independent group 3 enhancer GRCh37_chr8:31029565-31030764; plus strand). Cytogenetic location: 8p12.
Variant type: single nucleotide variant.
Coding change: c.4296T>G on transcript NM_000553.6 (MANE Select); coding-DNA position 4296, T replaced by G.
Protein change: p.Ser1432Arg; replaces serine 1432 with arginine.
Molecular consequence: missense variant.
Genome position (GRCh38, 1-based): chr8:31,173,099, T>G. VCF-style: chr8-31173099-T-G. GRCh37 (hg19) VCF-style: chr8-31030615-T-G.
Other names: short protein forms S1432R.
Identifiers: ClinVar variation 1036568 (VCV001036568.2), dbSNP rs1457681720, ClinGen allele CA370911952.